The following is an entry in ClinVar:

NM_013265.4(VPS51):c.1329C>G (p.Ala443=)

Gene: VPS51 (VPS51 subunit of GARP complex; plus strand). Cytogenetic location: 11q13.1.
Variant type: single nucleotide variant.
Coding change: c.1329C>G on transcript NM_013265.4 (MANE Select); coding-DNA position 1329, C replaced by G.
Protein change: p.Ala443=; no amino-acid change (alanine 443 retained).
Molecular consequence: synonymous variant. On other transcripts: non-coding transcript variant (1).
Genome position (GRCh38, 1-based): chr11:65,108,800, C>G. VCF-style: chr11-65108800-C-G. GRCh37 (hg19) VCF-style: chr11-64876272-C-G.
Other names: c.1329C>G (NM_013265.3).
Identifiers: ClinVar variation 2641946 (VCV002641946.25), dbSNP rs149391431, ClinGen allele CA6090534.

ClinVar aggregate classification (germline): Likely benign. Review status: criteria provided, multiple submitters, no conflicts (2 of 4 stars). 2 submissions from 2 submitters: Likely benign (2). Last evaluated 2025-01-01.

Conditions:
VPS51-related disorder. Also called: VPS51-related condition.

Allele frequency attached by ClinVar (database versions not stated): gnomAD 0.00017; ESP Exome Variant Server 0.00033.
gnomAD v4.1: 650 of 1,612,720 alleles (0.04%); highest among the groups gnomAD compares: Non-Finnish European, 0.053%; no homozygotes.

Submissions (2):

CeGaT Center for Human Genetics Tuebingen
Classification: Likely benign. Last evaluated: 2025-01-01. Review status: criteria provided, single submitter. Criteria: CeGaT Center For Human Genetics Tuebingen Variant Classification Criteria Version 2. Collection method: clinical testing. Allele origin: germline. Affected: yes. Observed: 3 variant alleles.
Comment: VPS51: BP4, BP7

PreventionGenetics, part of Exact Sciences
Classification: Likely benign for VPS51-related condition. Last evaluated: 2024-11-18. Review status: criteria provided, single submitter. Criteria: ACMG Guidelines, 2015. Collection method: clinical testing. Allele origin: germline.
Comment: This variant is classified as likely benign based on ACMG/AMP sequence variant interpretation guidelines (Richards et al. 2015 PMID: 25741868, with internal and published modifications).